The following is an entry in ClinVar:

NM_003924.4(PHOX2B):c.121G>A (p.Gly41Ser)

Genes: PHOX2B-AS1 (PHOX2B antisense RNA 1; plus strand), PHOX2B (paired like homeobox 2B; minus strand). Cytogenetic location: 4p13.
Variant type: single nucleotide variant.
Coding change: c.121G>A on transcript NM_003924.4 (MANE Select); coding-DNA position 121, G replaced by A.
Protein change: p.Gly41Ser; replaces glycine 41 with serine.
Molecular consequence: missense variant.
Genome position (GRCh38, 1-based): chr4:41,748,490, C>T on the plus strand (G>A on the coding strand, the complement: PHOX2B is on the minus strand). VCF-style: chr4-41748490-C-T. GRCh37 (hg19) VCF-style: chr4-41750507-C-T.
Other names: short protein forms G41S.
Identifiers: ClinVar variation 1752734 (VCV001752734.8), dbSNP rs2552097183, ClinGen allele CA356741040.

ClinVar aggregate classification (germline): Uncertain significance. Review status: criteria provided, multiple submitters, no conflicts (2 of 4 stars). 2 submissions from 2 submitters: Uncertain significance (2). Last evaluated 2025-11-26.

Conditions:
Hereditary cancer-predisposing syndrome. Also called: Neoplastic Syndromes, Hereditary; Tumor predisposition; Hereditary Cancer Syndrome; Hereditary neoplastic syndrome. Identifiers: Orphanet 140162, MedGen C0027672, MeSH D009386, MONDO:0015356.
Haddad syndrome (OHD). Also called: Ondine-Hirschsprung disease. Identifiers: Orphanet 99803, MedGen C1859049, MONDO:0020493.

Allele frequency attached by ClinVar (database versions not stated): gnomAD exomes below 0.00001.

Submissions (2):

Ambry Genetics
Classification: Uncertain significance for Hereditary cancer-predisposing syndrome. Last evaluated: 2025-11-26. Review status: criteria provided, single submitter. Criteria: Ambry Variant Classification Scheme 2023. Collection method: clinical testing. Allele origin: germline.
Comment: The p.G41S variant (also known as c.121G>A), located in coding exon 1 of the PHOX2B gene, results from a G to A substitution at nucleotide position 121. The glycine at codon 41 is replaced by serine, an amino acid with similar properties. This amino acid position is conserved. In addition, the in silico prediction for this alteration is inconclusive. Since supporting evidence is limited at this time, the clinical significance of this alteration remains unclear.

Labcorp Genetics (formerly Invitae), Labcorp
Classification: Uncertain significance for Haddad syndrome. Last evaluated: 2023-11-13. Review status: criteria provided, single submitter. Criteria: Invitae Variant Classification Sherloc (09022015). Collection method: clinical testing. Allele origin: germline.
Comment: This sequence change replaces glycine, which is neutral and non-polar, with serine, which is neutral and polar, at codon 41 of the PHOX2B protein (p.Gly41Ser). This variant is not present in population databases (gnomAD no frequency). This variant has not been reported in the literature in individuals affected with PHOX2B-related conditions. ClinVar contains an entry for this variant (Variation ID: 1752734). An algorithm developed to predict the effect of missense changes on protein structure and function (PolyPhen-2) suggests that this variant is likely to be disruptive. In summary, the available evidence is currently insufficient to determine the role of this variant in disease. Therefore, it has been classified as a Variant of Uncertain Significance.